The following is an entry in ClinVar:

NM_015192.4(PLCB1):c.3358C>T (p.Arg1120Trp)

Gene: PLCB1 (phospholipase C beta 1; plus strand). Cytogenetic location: 20p12.3.
Variant type: single nucleotide variant.
Coding change: c.3358C>T on transcript NM_015192.4 (MANE Select); coding-DNA position 3358, C replaced by T.
Protein change: p.Arg1120Trp; replaces arginine 1120 with tryptophan.
Molecular consequence: missense variant.
Genome position (GRCh38, 1-based): chr20:8,790,196, C>T. VCF-style: chr20-8790196-C-T. GRCh37 (hg19) VCF-style: chr20-8770843-C-T.
Other names: c.3358C>T, p.Arg1120Trp (NM_182734.3); short protein forms R1120W.
Identifiers: ClinVar variation 1422695 (VCV001422695.8), dbSNP rs2146222855, ClinGen allele CA408210053.

ClinVar aggregate classification (germline): Uncertain significance (1 of 4 stars; one submission).

Conditions:
Developmental and epileptic encephalopathy, 12 (DEE12). Identifiers: MedGen C3150988, MONDO:0013389, OMIM 613722.

gnomAD v4.1: 1 of 1,610,850 alleles (0.000062%); highest among the groups gnomAD compares: Non-Finnish European, 0.000085%; no homozygotes.

Submission:

Labcorp Genetics (formerly Invitae), Labcorp
Classification: Uncertain significance for Developmental and epileptic encephalopathy, 12. Last evaluated: 2022-07-26. Review status: criteria provided, single submitter. Criteria: Invitae Variant Classification Sherloc (09022015). Collection method: clinical testing. Allele origin: germline.
Comment: In summary, the available evidence is currently insufficient to determine the role of this variant in disease. Therefore, it has been classified as a Variant of Uncertain Significance. Algorithms developed to predict the effect of missense changes on protein structure and function are either unavailable or do not agree on the potential impact of this missense change (SIFT: "Deleterious"; PolyPhen-2: "Probably Damaging"; Align-GVGD: "Class C0"). ClinVar contains an entry for this variant (Variation ID: 1422695). This variant has not been reported in the literature in individuals affected with PLCB1-related conditions. This variant is not present in population databases (gnomAD no frequency). This sequence change replaces arginine, which is basic and polar, with tryptophan, which is neutral and slightly polar, at codon 1120 of the PLCB1 protein (p.Arg1120Trp).